The following is an entry in ClinVar:

NM_006922.4(SCN3A):c.3287A>C (p.Asn1096Thr)

Gene: SCN3A (sodium voltage-gated channel alpha subunit 3; minus strand). Cytogenetic location: 2q24.3.
Variant type: single nucleotide variant.
Coding change: c.3287A>C on transcript NM_006922.4 (MANE Select); coding-DNA position 3287, A replaced by C.
Protein change: p.Asn1096Thr; replaces asparagine 1096 with threonine.
Molecular consequence: missense variant.
Genome position (GRCh38, 1-based): chr2:165,127,737, T>G on the plus strand (A>C on the coding strand, the complement: SCN3A is on the minus strand). VCF-style: chr2-165127737-T-G. GRCh37 (hg19) VCF-style: chr2-165984247-T-G.
Other names: c.3140A>C, p.Asn1047Thr (NM_001081676.2, NM_001081677.2); short protein forms N1047T, N1096T.
Identifiers: ClinVar variation 2497814 (VCV002497814.1), dbSNP rs1349702420, ClinGen allele CA349040499.

ClinVar aggregate classification (germline): Uncertain significance (1 of 4 stars; one submission).

Submission:

GeneDx
Classification: Uncertain significance. Last evaluated: 2022-10-03. Review status: criteria provided, single submitter. Criteria: GeneDx Variant Classification Process June 2021. Collection method: clinical testing. Allele origin: germline. Affected: yes.
Comment: Not observed at significant frequency in large population cohorts (gnomAD); In silico analysis supports that this missense variant has a deleterious effect on protein structure/function; Has not been previously published as pathogenic or benign to our knowledge